The following is an entry in ClinVar:

NM_003850.3(SUCLA2):c.751G>A (p.Asp251Asn)

Gene: SUCLA2 (succinate-CoA ligase ADP-forming subunit beta; minus strand). Cytogenetic location: 13q14.2.
Variant type: single nucleotide variant.
Coding change: c.751G>A on transcript NM_003850.3 (MANE Select); coding-DNA position 751, G replaced by A.
Protein change: p.Asp251Asn; replaces aspartic acid 251 with asparagine.
Molecular consequence: missense variant.
Genome position (GRCh38, 1-based): chr13:47,968,646, C>T on the plus strand (G>A on the coding strand, the complement: SUCLA2 is on the minus strand). VCF-style: chr13-47968646-C-T. GRCh37 (hg19) VCF-style: chr13-48542781-C-T.
Other names: short protein forms D251N.
Identifiers: ClinVar variation 66034 (VCV000066034.8), dbSNP rs397515462, ClinGen allele CA264788.

ClinVar aggregate classification (germline): Conflicting classifications of pathogenicity. Review status: criteria provided, conflicting classifications (1 of 4 stars). 3 submissions from 3 submitters: Pathogenic (1); Uncertain significance (1). 1 of the submissions does not count toward it. Last evaluated 2023-08-10.

Conditions:
Mitochondrial DNA depletion syndrome, encephalomyopathic form with methylmalonic aciduria (MTDPS5). Also called: SUCLA2-Related Mitochondrial DNA Depletion Syndrome, Encephalomyopathic Form with Methylmalonic Aciduria; Mitochondrial encephalomyopathy aminoacidopathy; Mitochondrial DNA depletion syndrome 5 (encephalomyopathic with or without methylmalonic aciduria); MITOCHONDRIAL DNA DEPLETION SYNDROME, ENCEPHALOMYOPATHIC FORM, WITH OR WITHOUT METHYLMALONIC ACIDURIA, AUTOSOMAL RECESSIVE, SUCLA2-RELATED. Identifiers: Orphanet 1933, MedGen C5980207, MONDO:0012791, OMIM 612073.

Allele frequency attached by ClinVar (database versions not stated): gnomAD exomes below 0.00001; TOPMed 0.00001.
gnomAD v4.1: 2 of 1,611,718 alleles (0.00012%); highest among the groups gnomAD compares: Non-Finnish European, 0.00017%; no homozygotes.

Submissions (3):

Labcorp Genetics (formerly Invitae), Labcorp
Classification: Uncertain significance for Mitochondrial DNA depletion syndrome, encephalomyopathic form with methylmalonic aciduria. Last evaluated: 2023-08-10. Review status: criteria provided, single submitter. Criteria: Invitae Variant Classification Sherloc (09022015). Collection method: clinical testing. Allele origin: germline.
Comment: This sequence change replaces aspartic acid, which is acidic and polar, with asparagine, which is neutral and polar, at codon 251 of the SUCLA2 protein (p.Asp251Asn). In summary, the available evidence is currently insufficient to determine the role of this variant in disease. Therefore, it has been classified as a Variant of Uncertain Significance. Advanced modeling of protein sequence and biophysical properties (such as structural, functional, and spatial information, amino acid conservation, physicochemical variation, residue mobility, and thermodynamic stability) performed at Invitae indicates that this missense variant is expected to disrupt SUCLA2 protein function. ClinVar contains an entry for this variant (Variation ID: 66034). This missense change has been observed in individual(s) with clinical features of SUCLA2-related conditions (PMID: 23759946). It has also been observed to segregate with disease in related individuals. This variant is not present in population databases (gnomAD no frequency).

Genomic Research Center, Shahid Beheshti University of Medical Sciences
Classification: Pathogenic for Mitochondrial DNA depletion syndrome, encephalomyopathic form with methylmalonic aciduria. Last evaluated: 2017-12-03. Review status: criteria provided, single submitter. Criteria: ACMG Guidelines, 2015. Collection method: clinical testing. Allele origin: inherited. Affected: yes.

OMIM
Classification: Pathogenic for MITOCHONDRIAL DNA DEPLETION SYNDROME 5 (ENCEPHALOMYOPATHIC TYPE WITHOUT METHYLMALONIC ACIDURIA). Last evaluated: 2013-08-01. Review status: no assertion criteria provided. Collection method: literature only. Allele origin: germline. Not counted in ClinVar's aggregate classification.

Literature cited by the submitters: PubMed 23759946 (cited by Labcorp Genetics (formerly Invitae), Labcorp and OMIM).